The following is an entry in ClinVar:

NM_004187.5(KDM5C):c.1753C>T (p.Arg585Cys)

Gene: KDM5C (lysine demethylase 5C; minus strand). Cytogenetic location: Xp11.22.
Variant type: single nucleotide variant.
Coding change: c.1753C>T on transcript NM_004187.5 (MANE Select); coding-DNA position 1753, C replaced by T.
Protein change: p.Arg585Cys; replaces arginine 585 with cysteine.
Molecular consequence: missense variant. On other transcripts: non-coding transcript variant (3).
Genome position (GRCh38, 1-based): chrX:53,201,967, G>A on the plus strand (C>T on the coding strand, the complement: KDM5C is on the minus strand). VCF-style: chrX-53201967-G-A. GRCh37 (hg19) VCF-style: chrX-53231149-G-A.
Other names: c.1552C>T, p.Arg518Cys (NM_001146702.2); c.1750C>T, p.Arg584Cys (NM_001282622.3, NM_001353979.2, NM_001353982.2); c.1753C>T, p.Arg585Cys (NM_001353978.3, NM_001353981.2, NM_001353984.2); short protein forms R518C, R584C, R585C.
Identifiers: ClinVar variation 5041727 (VCV005041727.1).
Genomic context (GRCh38, chrX:53,201,967, plus strand): 5'-AGCCGCTGTGGTAAGCACGGGGGAAGGTGATGACAAACTCTCCTGCACACTGGTTTGTGC[G>A]GACAACCTGAAGAACACAAAAGGCCATGGCTGTTGAGATAGAGATTTTCCTGTATACAGA-3'
Protein context (NP_004178.2, residues 575-595): TLMSHGVPVV[Arg585Cys]TNQCAGEFVI

ClinVar aggregate classification (germline): Likely pathogenic (1 of 4 stars; one submission).

Submission:

CeGaT Center for Human Genetics Tuebingen
Classification: Likely pathogenic. Last evaluated: 2026-09-01. Review status: criteria provided, single submitter. Criteria: CeGaT Center For Human Genetics Tuebingen Variant Classification Criteria Version 2. Collection method: clinical testing. Allele origin: germline. Affected: yes. Observed: 1 variant allele.
Comment: KDM5C: PM1, PM2, PP2, PP3